The following is an entry in ClinVar:

NM_015681.6(B9D1):c.434C>T (p.Thr145Ile)

Gene: B9D1 (B9 domain containing 1; minus strand). Cytogenetic location: 17p11.2.
Variant type: single nucleotide variant.
Coding change: c.434C>T on transcript NM_015681.6 (MANE Select); coding-DNA position 434, C replaced by T.
Protein change: p.Thr145Ile; replaces threonine 145 with isoleucine.
Molecular consequence: missense variant. On other transcripts: intron variant (1).
Genome position (GRCh38, 1-based): chr17:19,343,828, G>A on the plus strand (C>T on the coding strand, the complement: B9D1 is on the minus strand). VCF-style: chr17-19343828-G-A. GRCh37 (hg19) VCF-style: chr17-19247141-G-A.
Other names: c.434C>T, p.Thr145Ile (NM_001321214.2, NM_001321215.3, NM_001321217.2 and 2 more transcripts); c.74C>T, p.Thr25Ile (NM_001368769.2); c.404+3441C>T (NM_001321219.2); short protein forms T145I, T25I.
Identifiers: ClinVar variation 461761 (VCV000461761.7), dbSNP rs765607415, ClinGen allele CA8440162.

ClinVar aggregate classification (germline): Uncertain significance. Review status: criteria provided, multiple submitters, no conflicts (2 of 4 stars). 3 submissions from 3 submitters: Uncertain significance (3). Last evaluated 2025-01-08.

Conditions:
Meckel-Gruber syndrome. Also called: GRUBER SYNDROME; DYSENCEPHALIA SPLANCHNOCYSTICA; Dysencephalia splachnocystica. Identifiers: Orphanet 564, MedGen C0265215, MONDO:0018921.
Joubert syndrome. Also called: Familial aplasia of the vermis; JOUBERT-BOLTSHAUSER SYNDROME. Identifiers: Orphanet 475, MedGen C5979921, MONDO:0018772.

Allele frequency attached by ClinVar (database versions not stated): gnomAD exomes 0.00001 and 0.00002; ExAC 0.00002; TOPMed 0.00005.

Submissions (3):

Women's Health and Genetics/Laboratory Corporation of America, LabCorp
Classification: Uncertain significance. Last evaluated: 2025-01-08. Review status: criteria provided, single submitter. Criteria: LabCorp Variant Classification Summary - May 2015. Collection method: clinical testing. Allele origin: germline.
Comment: Variant summary: B9D1 c.434C>T (p.Thr145Ile; also described as p.Gln165* on NM_001243473.1 in the literature) results in a non-conservative amino acid change located in the Ciliary basal body-associated, B9 protein domain (IPR010796) of the encoded protein sequence. Three of five in-silico tools predict a benign effect of the variant on protein function. The variant allele was found at a frequency of 1.2e-05 in 251288 control chromosomes (gnomAD). The available data on variant occurrences in the general population are insufficient to allow any conclusion about variant significance. c.434C>T has been reported in the literature in at least an individual affected with Joubert syndrome (Srour_2015). These data do not allow any conclusion about variant significance. To our knowledge, no experimental evidence demonstrating an impact on protein function has been reported. The following publication has been ascertained in the context of this evaluation (PMID: 26477546). ClinVar contains an entry for this variant (Variation ID: 461761). Based on the evidence outlined above, the variant was classified as uncertain significance.

Blueprint Genetics
Classification: Uncertain significance. Last evaluated: 2024-07-08. Review status: criteria provided, single submitter. Criteria: ACMG Guidelines, 2015. Collection method: clinical testing. Allele origin: germline.

Labcorp Genetics (formerly Invitae), Labcorp
Classification: Uncertain significance for Joubert syndrome; Meckel-Gruber syndrome. Last evaluated: 2023-11-27. Review status: criteria provided, single submitter. Criteria: Invitae Variant Classification Sherloc (09022015). Collection method: clinical testing. Allele origin: germline.
Comment: This sequence change replaces threonine, which is neutral and polar, with isoleucine, which is neutral and non-polar, at codon 145 of the B9D1 protein (p.Thr145Ile). This variant is present in population databases (rs765607415, gnomAD 0.003%). This missense change has been observed in individual(s) with Joubert syndrome (PMID: 26477546). ClinVar contains an entry for this variant (Variation ID: 461761). An algorithm developed to predict the effect of missense changes on protein structure and function (PolyPhen-2) suggests that this variant¬†is likely to be tolerated. In summary, the available evidence is currently insufficient to determine the role of this variant in disease. Therefore, it has been classified as a Variant of Uncertain Significance.

Literature cited by the submitters: PubMed 26477546 (cited by Women's Health and Genetics/Laboratory Corporation of America, LabCorp and Labcorp Genetics (formerly Invitae), Labcorp).